The following is an entry in ClinVar:

NM_000278.5(PAX2):c.301G>C (p.Glu101Gln)

Gene: PAX2 (paired box 2; plus strand). Cytogenetic location: 10q24.31.
Variant type: single nucleotide variant.
Coding change: c.301G>C on transcript NM_000278.5 (MANE Select); coding-DNA position 301, G replaced by C.
Protein change: p.Glu101Gln; replaces glutamic acid 101 with glutamine.
Molecular consequence: missense variant.
Genome position (GRCh38, 1-based): chr10:100,750,782, G>C. VCF-style: chr10-100750782-G-C. GRCh37 (hg19) VCF-style: chr10-102510539-G-C.
Other names: c.394G>C, p.Glu132Gln (NM_001304569.2); c.301G>C, p.Glu101Gln (NM_003987.5, NM_003988.5, NM_003989.5 and 1 more transcripts); short protein forms E101Q, E132Q.
Identifiers: ClinVar variation 3347420 (VCV003347420.1).
Genomic context (GRCh38, chr10:100,750,782, plus strand): 5'-GGTGTGATCGGTGGCTCCAAGCCCAAAGTGGCGACGCCCAAAGTGGTGGACAAGATTGCT[G>C]AATACAAACGACAGAACCCGACTATGTTCGCCTGGGAGATTCGAGACCGGCTCCTGGCCG-3'
Protein context (NP_000269.3, residues 91-111): ATPKVVDKIA[Glu101Gln]YKRQNPTMFA

ClinVar aggregate classification (germline): Uncertain significance (0 of 4 stars; one submission).

Conditions:
PAX2-Related Disorder. Also called: PAX2-related disorders. Identifiers: MedGen CN381309.

gnomAD v4.1: 18 of 1,614,068 alleles (0.0011%); highest among the groups gnomAD compares: Non-Finnish European, 0.0015%; no homozygotes.

Submission:

PreventionGenetics, part of Exact Sciences
Classification: Uncertain significance for PAX2-related condition. Last evaluated: 2024-09-11. Review status: no assertion criteria provided. Collection method: clinical testing. Allele origin: germline.
Comment: The PAX2 c.301G>C variant is predicted to result in the amino acid substitution p.Glu101Gln. To our knowledge, this variant has not been reported in the literature. This variant is reported in 0.00088% of alleles in individuals of European (Non-Finnish) descent in gnomAD. At this time, the clinical significance of this variant is uncertain due to the absence of conclusive functional and genetic evidence.